The following is an entry in ClinVar:

ClinVar aggregate classification (germline): Uncertain significance. Review status: criteria provided, single submitter (1 of 4 stars). 2 submissions from 2 submitters: Uncertain significance (1). 1 of the submissions does not count toward it. Last evaluated 2025-03-31.

Conditions:
PLXNA1-related disorder. Also called: PLXNA1-related condition.

gnomAD v4.1: 35 of 1,605,844 alleles (0.0022%); highest among the groups gnomAD compares: East Asian, 0.027%; no homozygotes.

Submissions (2):

Labcorp Genetics (formerly Invitae), Labcorp
Classification: Uncertain significance. Last evaluated: 2025-03-31. Review status: criteria provided, single submitter. Criteria: Invitae Variant Classification Sherloc (09022015). Collection method: clinical testing. Allele origin: germline.
Comment: This sequence change replaces arginine, which is basic and polar, with tryptophan, which is neutral and slightly polar, at codon 1882 of the PLXNA1 protein (p.Arg1882Trp). The frequency data for this variant in the population databases is considered unreliable, as metrics indicate poor data quality at this position in the gnomAD database. This missense change has been observed in individual(s) with Parkinson disease (PMID: 37397528). ClinVar contains an entry for this variant (Variation ID: 3358837). Invitae Evidence Modeling of protein sequence and biophysical properties (such as structural, functional, and spatial information, amino acid conservation, physicochemical variation, residue mobility, and thermodynamic stability) has been performed for this missense variant. However, the output from this modeling did not meet the statistical confidence thresholds required to predict the impact of this variant on PLXNA1 protein function. In summary, the available evidence is currently insufficient to determine the role of this variant in disease. Therefore, it has been classified as a Variant of Uncertain Significance.

PreventionGenetics, part of Exact Sciences
Classification: Uncertain significance for PLXNA1-related condition. Last evaluated: 2024-08-08. Review status: no assertion criteria provided. Collection method: clinical testing. Allele origin: germline. Not counted in ClinVar's aggregate classification.
Comment: The PLXNA1 c.5644C>T variant is predicted to result in the amino acid substitution p.Arg1882Trp. To our knowledge, this variant has not been reported in the literature. This variant is reported in 0.014% of alleles in individuals of African descent in gnomAD. At this time, the clinical significance of this variant is uncertain due to the absence of conclusive functional and genetic evidence.

Literature cited by the submitters: PubMed 37397528 (cited by Labcorp Genetics (formerly Invitae), Labcorp).

NM_032242.4(PLXNA1):c.5644C>T (p.Arg1882Trp)

Gene: PLXNA1 (plexin A1; plus strand). Cytogenetic location: 3q21.3.
Variant type: single nucleotide variant.
Coding change: c.5644C>T on transcript NM_032242.4 (MANE Select); coding-DNA position 5644, C replaced by T.
Protein change: p.Arg1882Trp; replaces arginine 1882 with tryptophan.
Molecular consequence: missense variant.
Genome position (GRCh38, 1-based): chr3:127,033,970, C>T. VCF-style: chr3-127033970-C-T. GRCh37 (hg19) VCF-style: chr3-126752813-C-T.
Other names: short protein forms R1882W.
Identifiers: ClinVar variation 3358837 (VCV003358837.2).